The following is an entry in ClinVar:

ClinVar aggregate classification (germline): Uncertain significance. Review status: criteria provided, multiple submitters, no conflicts (2 of 4 stars). 3 submissions from 3 submitters: Uncertain significance (3). Last evaluated 2025-10-07.

Conditions:
Emery-Dreifuss muscular dystrophy 4, autosomal dominant (EDMD4). Also called: EMERY-DREIFUSS MUSCULAR DYSTROPHY 4 WITH VARIABLE FEATURES. Identifiers: Orphanet 261, MedGen C2751807, MONDO:0013071, OMIM 612998.
Autosomal recessive ataxia, Beauce type. Also called: ATAXIA, RECESSIVE, OF BEAUCE; SYNE1 Deficiency; Spinocerebellar ataxia, autosomal recessive 8; SYNE1-Related Autosomal Recessive Cerebellar Ataxia. Identifiers: Orphanet 88644, MedGen C1853116, MONDO:0012549, OMIM 610743.

Allele frequency attached by ClinVar (database versions not stated): ExAC 0.00001; gnomAD 0.00001; TOPMed 0.00002; ESP Exome Variant Server 0.00008.
gnomAD v4.1: 68 of 1,613,966 alleles (0.0042%); highest among the groups gnomAD compares: Non-Finnish European, 0.0057%; no homozygotes.

Submissions (3):

Labcorp Genetics (formerly Invitae), Labcorp
Classification: Uncertain significance for Emery-Dreifuss muscular dystrophy 4, autosomal dominant; Autosomal recessive ataxia, Beauce type. Last evaluated: 2025-10-07. Review status: criteria provided, single submitter. Criteria: Invitae Variant Classification Sherloc (09022015). Collection method: clinical testing. Allele origin: germline.
Comment: This sequence change replaces asparagine, which is neutral and polar, with serine, which is neutral and polar, at codon 8646 of the SYNE1 protein (p.Asn8646Ser). This variant is present in population databases (rs144370154, gnomAD 0.003%). This variant has not been reported in the literature in individuals affected with SYNE1-related conditions. ClinVar contains an entry for this variant (Variation ID: 2436761). An algorithm developed to predict the effect of missense changes on protein structure and function (PolyPhen-2) suggests that this variant is likely to be tolerated. In summary, the available evidence is currently insufficient to determine the role of this variant in disease. Therefore, it has been classified as a Variant of Uncertain Significance.

GeneDx
Classification: Uncertain significance. Last evaluated: 2024-01-04. Review status: criteria provided, single submitter. Criteria: GeneDx Variant Classification Process June 2021. Collection method: clinical testing. Allele origin: germline. Affected: yes.
Comment: Not observed at significant frequency in large population cohorts (gnomAD); In silico analysis supports that this missense variant does not alter protein structure/function; Has not been previously published as pathogenic or benign to our knowledge

Revvity Omics, Revvity
Classification: Uncertain significance. Last evaluated: 2022-04-20. Review status: criteria provided, single submitter. Criteria: ACMG Guidelines, 2015. Collection method: clinical testing. Allele origin: germline.

NM_182961.4(SYNE1):c.26081A>G (p.Asn8694Ser)

Gene: SYNE1 (spectrin repeat containing nuclear envelope protein 1; minus strand). Cytogenetic location: 6q25.2.
Variant type: single nucleotide variant.
Coding change: c.26081A>G on transcript NM_182961.4 (MANE Select); coding-DNA position 26081, A replaced by G.
Protein change: p.Asn8694Ser; replaces asparagine 8694 with serine.
Molecular consequence: missense variant.
Genome position (GRCh38, 1-based): chr6:152,132,135, T>C on the plus strand (A>G on the coding strand, the complement: SYNE1 is on the minus strand). VCF-style: chr6-152132135-T-C. GRCh37 (hg19) VCF-style: chr6-152453270-T-C.
Other names: c.2687A>G, p.Asn896Ser (NM_001347701.2); c.2615A>G, p.Asn872Ser (NM_001347702.2); c.25937A>G, p.Asn8646Ser (NM_033071.5); short protein forms N8646S, N8694S, N872S, N896S.
Identifiers: ClinVar variation 2436761 (VCV002436761.5), dbSNP rs144370154, ClinGen allele CA4052680.
Genomic context (GRCh38, chr6:152,132,135, plus strand): 5'-AGTGTTCACTCCCATGGGCCAACTGAAAACGACCAGTGGAAAGTTACCGTTTTCTGTCTG[T>C]TTGGGGTGCTCCTTCCTGATGTGGGACTCACAGACCCTGAGGTGTCCAGTTCATCAGCAG-3'
Protein context (NP_892006.3, residues 8684-8704): VSPTSGRSTP[Asn8694Ser]RQKTPRGKCS